The following is an entry in ClinVar:

ClinVar aggregate classification (germline): Likely pathogenic (1 of 4 stars; one submission).

Conditions:
Corneal dystrophy-perceptive deafness syndrome (CDPD). Also called: CORNEAL DYSTROPHY AND SENSORINEURAL DEAFNESS; HARBOYAN SYNDROME. Identifiers: Orphanet 1490, MedGen C1857572, MONDO:0009015, OMIM 217400.

Submission:

Natera, Inc.
Classification: Likely pathogenic for Corneal dystrophy-perceptive deafness syndrome. Last evaluated: 2025-01-23. Review status: criteria provided, single submitter. Criteria: Natera Variant Classification Schema (03/2026). Collection method: clinical testing. Allele origin: germline.
Comment: The c.511_523del variant in SLC4A11 is a frameshift variant predicted to shift the reading frame beginning at codon 171 and leads to a stop codon 31 codons downstream. This variant is expected to result in nonsense mediated decay, truncation, or a dysfunctional protein product. This variant is rare in the general population with a frequency below the threshold expected for the associated phenotype(s). Given the available evidence, this variant is classified as Likely Pathogenic.

NM_001174089.2(SLC4A11):c.463_475del (p.Asn155fs)

Gene: SLC4A11 (solute carrier family 4 member 11; minus strand). Cytogenetic location: 20p13.
Variant type: Deletion.
Coding change: c.463_475del on transcript NM_001174089.2 (MANE Select); coding-DNA positions 463 to 475, 13 bases deleted (AACCTGGACCTGC).
Protein change: p.Asn155fs; shifts the reading frame from asparagine 155.
Molecular consequence: frameshift variant. On other transcripts: non-coding transcript variant (3).
Genome position (GRCh38, 1-based): chr20:3,234,131-3,234,143, GCAGGTCCAGGTT deleted on the plus strand (AACCTGGACCTGC on the coding strand, the reverse complement: SLC4A11 is on the minus strand); deleting any 13 consecutive bases within chr20:3,234,131-3,234,147 gives the same sequence; the c. name uses the placement nearest the transcript's 3' end. VCF-style (leftmost placement, unchanged base first): chr20-3234130-AGCAGGTCCAGGTT-A. GRCh37 (hg19) VCF-style: chr20-3214776-AGCAGGTCCAGGTT-A.
Other names: c.592_604del, p.Asn198fs (NM_001174090.2, NM_001400280.1); c.463_475del, p.Asn155fs (NM_001363745.2); c.406_418del, p.Asn136fs (NM_001400277.1, NM_001400278.1, NM_001400279.1); c.511_523del, p.Asn171fs (NM_032034.4); short protein forms N136fs, N155fs, N171fs, N198fs.
Identifiers: ClinVar variation 4061867 (VCV004061867.2).
Genomic context (GRCh38, chr20:3,234,130, plus strand): 5'-AGACCGGCCTCACCTTTACCCCGCATGGGTGCCCCGGCATCGGTGAAGAGCATGGCCATG[AGCAGGTCCAGGTT>A]GCAGTTGGGCTCATTGTTGTCAGGGTCCCTGGCGAAGCGGCGAAGCATGGTCCGCAGCAC-3'